The following is an entry in ClinVar:

ClinVar aggregate classification (germline): Likely pathogenic. Review status: criteria provided, multiple submitters, no conflicts (2 of 4 stars). 2 submissions from 2 submitters: Likely pathogenic (2). Last evaluated 2025-07-23.

Conditions:
Alport syndrome. Also called: Hemorrhagic familial nephritis; Hemorrhagic hereditary nephritis; Congenital hereditary hematuria. Identifiers: Orphanet 63, MedGen C1567741, MONDO:0018965.

Allele frequency attached by ClinVar (database versions not stated): gnomAD exomes below 0.00001; gnomAD 0.00001.
gnomAD v4.1: 2 of 1,614,156 alleles (0.00012%); highest among the groups gnomAD compares: Middle Eastern, 0.017%; no homozygotes.

Submissions (2):

Natera, Inc.
Classification: Likely pathogenic for Alport syndrome. Last evaluated: 2025-07-23. Review status: criteria provided, single submitter. Criteria: Natera Variant Classification Schema (03/2026). Collection method: clinical testing. Allele origin: germline.
Comment: The c.2275G>C variant in COL4A3 is a missense variant predicted to cause substitution of glycine to arginine at amino acid 759. This variant is rare in the general population with a frequency below the threshold expected for the associated phenotype(s). This variant is located in a functionally critical region of the protein. Another variant at this same site results in an alteration predicted to cause a similar molecular effect has been observed in individual(s) with the associated phenotype. Computational prediction algorithms indicate this variant is likely to affect gene or protein function. Given the available evidence, this variant is classified as Likely Pathogenic.

Revvity Omics, Revvity
Classification: Likely pathogenic. Last evaluated: 2022-11-17. Review status: criteria provided, single submitter. Criteria: ACMG Guidelines, 2015. Collection method: clinical testing. Allele origin: germline.

NM_000091.5(COL4A3):c.2275G>C (p.Gly759Arg)

Genes: COL4A3 (collagen type IV alpha 3 chain; plus strand), MFF-DT (MFF divergent transcript; minus strand). Cytogenetic location: 2q36.3.
Variant type: single nucleotide variant.
Coding change: c.2275G>C on transcript NM_000091.5 (MANE Select); coding-DNA position 2275, G replaced by C.
Protein change: p.Gly759Arg; replaces glycine 759 with arginine.
Molecular consequence: missense variant.
Genome position (GRCh38, 1-based): chr2:227,280,491, G>C. VCF-style: chr2-227280491-G-C. GRCh37 (hg19) VCF-style: chr2-228145207-G-C.
Other names: short protein forms G759R.
Identifiers: ClinVar variation 2439370 (VCV002439370.4), dbSNP rs2071886531, ClinGen allele CA350849081.
Genomic context (GRCh38, chr2:227,280,491, plus strand): 5'-ATGCTGTAGGGAGAACCAGCAGTAGCCATGCCTGGAGGACCAGGAACACCAGGTTTTCCA[G>C]GAGAAAGAGGCAATTCTGGGGAACATGGAGAAATTGGACTCCCTGGACTTCCAGGTCTCC-3'
Protein context (NP_000082.2, residues 749-769): PGGPGTPGFP[Gly759Arg]ERGNSGEHGE